The following is an entry in ClinVar:

NM_000295.5(SERPINA1):c.1069G>A (p.Val357Met)

Gene: SERPINA1 (serpin family A member 1; minus strand). Cytogenetic location: 14q32.13.
Variant type: single nucleotide variant.
Coding change: c.1069G>A on transcript NM_000295.5 (MANE Select); coding-DNA position 1069, G replaced by A.
Protein change: p.Val357Met; replaces valine 357 with methionine.
Molecular consequence: missense variant.
Genome position (GRCh38, 1-based): chr14:94,378,637, C>T on the plus strand (G>A on the coding strand, the complement: SERPINA1 is on the minus strand). VCF-style: chr14-94378637-C-T. GRCh37 (hg19) VCF-style: chr14-94844974-C-T.
Other names: c.1069G>A, p.Val357Met (NM_001002235.3, NM_001002236.3, NM_001127700.2 and 7 more transcripts); short protein forms V357M.
Identifiers: ClinVar variation 701633 (VCV000701633.17), dbSNP rs373630097, ClinGen allele CA7327291.

ClinVar aggregate classification (germline): Conflicting classifications of pathogenicity. Review status: criteria provided, conflicting classifications (1 of 4 stars). 4 submissions from 4 submitters: Uncertain significance (2); Likely benign (1). 1 of the submissions does not count toward it. Last evaluated 2025-03-03.

Conditions:
SERPINA1-related disorder. Also called: SerpinA1-related disorders; SERPINA1-related condition.
Alpha-1-antitrypsin deficiency (A1ATD). Also called: AAT deficiency; A1AT deficiency; Alpha1-Antitrypsin Deficiency. Identifiers: Orphanet 60, MedGen C0221757, MONDO:0013282, OMIM 613490.

Allele frequency attached by ClinVar (database versions not stated): TOPMed 0.00005; ESP Exome Variant Server 0.00008; gnomAD 0.00011; ExAC 0.00059; 1000 Genomes Project 30x 0.00203; 1000 Genomes Project 0.00240.

Submissions (4):

Labcorp Genetics (formerly Invitae), Labcorp
Classification: Likely benign for Alpha-1-antitrypsin deficiency. Last evaluated: 2025-03-03. Review status: criteria provided, single submitter. Criteria: Invitae Variant Classification Sherloc (09022015). Collection method: clinical testing. Allele origin: germline.

Blueprint Genetics
Classification: Uncertain significance. Last evaluated: 2024-09-11. Review status: criteria provided, single submitter. Criteria: ACMG Guidelines, 2015. Collection method: clinical testing. Allele origin: germline.

Illumina Laboratory Services, Illumina
Classification: Uncertain significance for Alpha-1-antitrypsin deficiency. Last evaluated: 2017-04-27. Review status: criteria provided, single submitter. Criteria: ICSL Variant Classification Criteria 13 December 2019. Collection method: clinical testing. Allele origin: germline.
Comment: This variant was observed as part of a predisposition screen in an ostensibly healthy population. A literature search was performed for the gene, cDNA change, and amino acid change (where applicable). Publications were found based on this search. However, the evidence from the literature, in combination with allele frequency data from public databases where available, was not sufficient to rule this variant in or out of causing disease. Therefore, this variant is classified as a variant of unknown significance.

PreventionGenetics, part of Exact Sciences
Classification: Uncertain significance for SERPINA1-related condition. Last evaluated: 2024-08-21. Review status: no assertion criteria provided. Collection method: clinical testing. Allele origin: germline. Not counted in ClinVar's aggregate classification.
Comment: The SERPINA1 c.1069G>A variant is predicted to result in the amino acid substitution p.Val357Met. This variant was reported in an individual with Alpha-1-antitrypsin deficiency (Arora et al 2010. PubMed ID: 20453271; Giacopuzzi E et al 2018. PubMed ID: 29882371; Kueppers F et al 2019. PubMed ID: 31307431). This variant is reported in 0.34% of alleles in individuals of South Asian descent in gnomAD. At this time, the clinical significance of this variant is uncertain due to the absence of conclusive functional and genetic evidence.

Literature cited by the submitters: PubMed 20453271 (cited by Illumina Laboratory Services, Illumina); PubMed 23907436 (cited by Illumina Laboratory Services, Illumina).